The following is an entry in ClinVar:

NM_007373.4(SHOC2):c.187G>C (p.Gly63Arg)

Gene: SHOC2 (SHOC2 leucine rich repeat scaffold protein; plus strand). Cytogenetic location: 10q25.2.
Variant type: single nucleotide variant.
Coding change: c.187G>C on transcript NM_007373.4 (MANE Select); coding-DNA position 187, G replaced by C.
Protein change: p.Gly63Arg; replaces glycine 63 with arginine.
Molecular consequence: missense variant.
Genome position (GRCh38, 1-based): chr10:110,964,545, G>C. VCF-style: chr10-110964545-G-C. GRCh37 (hg19) VCF-style: chr10-112724303-G-C.
Other names: c.187G>C, p.Gly63Arg (NM_001269039.3, NM_001324336.2, NM_001324337.2); short protein forms G63R.
Identifiers: ClinVar variation 561714 (VCV000561714.3), dbSNP rs1564714645, ClinGen allele CA378382246.

ClinVar aggregate classification (germline): Uncertain significance. Review status: criteria provided, multiple submitters, no conflicts (2 of 4 stars). 2 submissions from 2 submitters: Uncertain significance (2). Last evaluated 2024-03-13.

Submissions (2):

GeneDx
Classification: Uncertain significance. Last evaluated: 2024-03-13. Review status: criteria provided, single submitter. Criteria: GeneDx Variant Classification Process June 2021. Collection method: clinical testing. Allele origin: germline. Affected: yes.
Comment: In silico analysis supports that this missense variant does not alter protein structure/function; Not observed at significant frequency in large population cohorts (gnomAD); This variant is associated with the following publications: (PMID: 35831509, 29907801, 30417923, 30050098)

Women's Health and Genetics/Laboratory Corporation of America, LabCorp
Classification: Uncertain significance. Last evaluated: 2018-01-11. Review status: criteria provided, single submitter. Criteria: LabCorp Variant Classification Summary - May 2015. Collection method: clinical testing. Allele origin: germline.
Comment: Variant summary: The c.187G>C (p.Gly63Arg) affects a conserved nucleotide and 2/4 in-silico tools predict this variant to be benign (SNPs&GO not captured due to low reliability index). The variant is located outside of any known functional domain or repeat and the impact on the protein has yet to be confirmed by functional studies. This variant was not found among 245270 control chromosomes in gnomAD project. The variant of interest has not been reported in affected individuals via publications and/or reputable databases/clinical laboratories. Taking togather, the variant was classified as a variant of uncertain significance (VUS) until additional information becomes available.